The following is an entry in ClinVar:

ClinVar aggregate classification (germline): Likely pathogenic (1 of 4 stars; one submission).

Conditions:
Café-au-lait macules with pulmonary stenosis (WTSN). Also called: PULMONIC STENOSIS WITH CAFE-AU-LAIT SPOTS. Identifiers: MedGen C0553586, MONDO:0008672, OMIM 193520.

Submission:

Dubai Health Genomic Medicine Center, Dubai Health
Classification: Likely pathogenic for Watson syndrome. Last evaluated: 2024-10-04. Review status: criteria provided, single submitter. Criteria: ACMG Guidelines, 2015. Collection method: research. Allele origin: germline. Affected: yes.
Comment: PVS1,PM2,PM6

NM_001042492.3(NF1):c.1397_1398dup (p.Thr467fs)

Gene: NF1 (neurofibromin 1; plus strand). Cytogenetic location: 17q11.2.
Variant type: Duplication.
Coding change: c.1397_1398dup on transcript NM_001042492.3 (MANE Select); coding-DNA positions 1397 to 1398, 2 bases duplicated (TT; older notation c.1397_1398dupTT).
Protein change: p.Thr467fs; shifts the reading frame from threonine 467.
Molecular consequence: frameshift variant.
Genome position (GRCh38, 1-based): chr17:31,214,455-31,214,456, TT duplicated. VCF-style (leftmost placement, unchanged base first): chr17-31214454-C-CTT. GRCh37 (hg19) VCF-style: chr17-29541472-C-CTT.
Other names: c.1397_1398dup, p.Thr467Leufs (NM_000267.4); c.1397_1398dup, p.Thr467fs (NM_001128147.3); short protein forms T467fs.
Identifiers: ClinVar variation 3384016 (VCV003384016.1).